The following is an entry in ClinVar:

ClinVar aggregate classification (germline): Uncertain significance. Review status: criteria provided, multiple submitters, no conflicts (2 of 4 stars). 10 submissions from 10 submitters: Uncertain significance (9). 1 of the submissions does not count toward it. Last evaluated 2026-06-01.

Conditions:
Inborn genetic diseases. Identifiers: MedGen C0950123, MeSH D030342.
INPP5E-related disorder. Also called: INPP5E-related condition.
MORM syndrome (MORMS). Identifiers: Orphanet 75858, MedGen C1857802, MONDO:0012423, OMIM 610156.
Joubert syndrome 1 (JBTS1). Also called: CEREBELLOPARENCHYMAL DISORDER IV; Cerebellooculorenal syndrome 1. Identifiers: MedGen C4551568, MONDO:0008944, OMIM 213300.
Joubert syndrome. Also called: Familial aplasia of the vermis; JOUBERT-BOLTSHAUSER SYNDROME. Identifiers: Orphanet 475, MedGen C5979921, MONDO:0018772.

Allele frequency attached by ClinVar (database versions not stated): ExAC 0.00004; gnomAD 0.00005 and 0.00006; gnomAD exomes 0.00005 and 0.00006; TOPMed 0.00010.
gnomAD v4.1: 85 of 1,612,640 alleles (0.0053%); highest among the groups gnomAD compares: Middle Eastern, 0.15%; no homozygotes.

Submissions (10):

PreventionGenetics, part of Exact Sciences
Classification: Uncertain significance for INPP5E-related condition. Last evaluated: 2026-06-01. Review status: criteria provided, single submitter. Criteria: ACMG Guidelines, 2015. Collection method: clinical testing. Allele origin: germline.
Comment: The INPP5E c.1388C>T variant is predicted to result in the amino acid substitution p.Ala463Val. This variant, reported as c.1388C>T p.Ala464Val, was found in the homozygous state in a patient with Joubert syndrome and periventricular heterotopia (Table S2, Alfares et al. 2017. PubMed ID: 28454995). It has also been described as heterozygous in an individual with Joubert syndrome; however, that individual had a diagnostic finding in KIF7 (Table S5, Phelps et al. 2018. PubMed ID: 28771248). This variant is reported in 0.039% of alleles in individuals of Ashkenazi Jewish descent in gnomAD. At this time, the clinical significance of this variant is uncertain due to the absence of conclusive functional and genetic evidence.

Genomic Medicine Center of Excellence, King Faisal Specialist Hospital and Research Centre
Classification: Uncertain significance for Joubert syndrome 1. Last evaluated: 2024-12-19. Review status: criteria provided, single submitter. Criteria: ACMG Guidelines, 2015. Collection method: clinical testing. Allele origin: germline.

Blueprint Genetics
Classification: Uncertain significance. Last evaluated: 2024-11-05. Review status: criteria provided, single submitter. Criteria: ACMG Guidelines, 2015. Collection method: clinical testing. Allele origin: germline.

Fulgent Genetics
Classification: Uncertain significance for Joubert syndrome 1; MORM syndrome. Last evaluated: 2024-03-21. Review status: criteria provided, single submitter. Criteria: ACMG Guidelines, 2015. Collection method: clinical testing. Allele origin: germline.

Labcorp Genetics (formerly Invitae), Labcorp
Classification: Uncertain significance for Joubert syndrome. Last evaluated: 2023-11-27. Review status: criteria provided, single submitter. Criteria: Invitae Variant Classification Sherloc (09022015). Collection method: clinical testing. Allele origin: germline.
Comment: This sequence change replaces alanine, which is neutral and non-polar, with valine, which is neutral and non-polar, at codon 463 of the INPP5E protein (p.Ala463Val). This variant is present in population databases (rs199956627, gnomAD 0.04%). This missense change has been observed in individual(s) with Joubert syndrome (PMID: 28454995). This variant is also known as p.Ala464Val. ClinVar contains an entry for this variant (Variation ID: 800892). Algorithms developed to predict the effect of missense changes on protein structure and function output the following: SIFT: "Not Available"; PolyPhen-2: "Benign"; Align-GVGD: "Not Available". The valine amino acid residue is found in multiple mammalian species, which suggests that this missense change does not adversely affect protein function. In summary, the available evidence is currently insufficient to determine the role of this variant in disease. Therefore, it has been classified as a Variant of Uncertain Significance.

Department of Pathology and Laboratory Medicine, Sinai Health System
Classification: Uncertain significance for Joubert syndrome 1; MORM syndrome. Last evaluated: 2023-02-26. Review status: criteria provided, single submitter. Criteria: ACMG Guidelines, 2015. Collection method: research. Allele origin: germline.

Ambry Genetics
Classification: Uncertain significance for Inborn genetic diseases. Last evaluated: 2022-06-03. Review status: criteria provided, single submitter. Criteria: Ambry Variant Classification Scheme 2023. Collection method: clinical testing. Allele origin: germline.
Comment: Occurs in the first base pair of the exon Based on insufficient or conflicting evidence, the clinical significance of this alteration remains unclear.

Women's Health and Genetics/Laboratory Corporation of America, LabCorp
Classification: Uncertain significance. Last evaluated: 2022-02-24. Review status: criteria provided, single submitter. Criteria: LabCorp Variant Classification Summary - May 2015. Collection method: clinical testing. Allele origin: germline.
Comment: Variant summary: INPP5E c.1388C>T (p.Ala463Val) results in a non-conservative amino acid change located in the Inositol polyphosphate-related phosphatase (IPR000300) of the encoded protein sequence. Three of five in-silico tools predict a damaging effect of the variant on protein function. 4/4 computational tools predict no significant impact on normal splicing. However, these predictions have yet to be confirmed by functional studies. The variant allele was found at a frequency of 6.4e-05 in 248302 control chromosomes (gnomAD). This frequency is not higher than expected for a pathogenic variant in INPP5E causing Joubert Syndrome And Related Disorders (6.4e-05 vs 0.00079), allowing no conclusion about variant significance. c.1388C>T has been reported in the literature in a homozygous individual diagnosed with Joubert syndrome 1 & periventricular heterotopia (Alfares_2017). To our knowledge, no experimental evidence demonstrating an impact on protein function has been reported. Two clinical diagnostic laboratories have submitted clinical-significance assessments for this variant to ClinVar after 2014 and classified the variant as likely pathogenic (n=1) and as uncertain significance (n=1). Based on the evidence outlined above, the variant was classified as VUS-possibly pathogenic.

Breakthrough Genomics
Classification: Uncertain significance. Review status: criteria provided, single submitter. Criteria: ACMG Guidelines, 2015. Collection method: not provided. Allele origin: germline. Inheritance: Autosomal recessive inheritance. Affected: yes.

Biochemical Molecular Genetic Laboratory, King Abdulaziz Medical City
Classification: Likely pathogenic for Joubert syndrome 1. Last evaluated: 2019-09-26. Review status: no assertion criteria provided. Collection method: clinical testing. Allele origin: germline. Affected: yes. Not counted in ClinVar's aggregate classification.

Literature cited by the submitters: PubMed 28454995 (cited by 3 submitters); PubMed 28771248 (cited by Ambry Genetics and Women's Health and Genetics/Laboratory Corporation of America, LabCorp).

NM_019892.6(INPP5E):c.1388C>T (p.Ala463Val)

Gene: INPP5E (inositol polyphosphate-5-phosphatase E; minus strand). Cytogenetic location: 9q34.3.
Variant type: single nucleotide variant.
Coding change: c.1388C>T on transcript NM_019892.6 (MANE Select); coding-DNA position 1388, C replaced by T.
Protein change: p.Ala463Val; replaces alanine 463 with valine.
Molecular consequence: missense variant.
Genome position (GRCh38, 1-based): chr9:136,431,985, G>A on the plus strand (C>T on the coding strand, the complement: INPP5E is on the minus strand). VCF-style: chr9-136431985-G-A. GRCh37 (hg19) VCF-style: chr9-139326437-G-A.
Other names: c.1385C>T, p.Ala462Val (NM_001318502.2); short protein forms A462V, A463V.
Identifiers: ClinVar variation 800892 (VCV000800892.16), dbSNP rs199956627, ClinGen allele CA5336807.